The following is an entry in ClinVar:

ClinVar aggregate classification (germline): Uncertain significance (1 of 4 stars; one submission).

Submission:

Labcorp Genetics (formerly Invitae), Labcorp
Classification: Uncertain significance. Last evaluated: 2022-07-14. Review status: criteria provided, single submitter. Criteria: Invitae Variant Classification Sherloc (09022015). Collection method: clinical testing. Allele origin: germline.
Comment: This variant is not present in population databases (gnomAD no frequency). This variant has not been reported in the literature in individuals affected with GNA11-related conditions. Algorithms developed to predict the effect of missense changes on protein structure and function are either unavailable or do not agree on the potential impact of this missense change (SIFT: "Deleterious"; PolyPhen-2: "Probably Damaging"; Align-GVGD: "Class C0"). In summary, the available evidence is currently insufficient to determine the role of this variant in disease. Therefore, it has been classified as a Variant of Uncertain Significance. This sequence change replaces arginine, which is basic and polar, with tryptophan, which is neutral and slightly polar, at codon 30 of the GNA11 protein (p.Arg30Trp).

NM_002067.5(GNA11):c.88C>T (p.Arg30Trp)

Gene: GNA11 (G protein subunit alpha 11; plus strand). Cytogenetic location: 19p13.3.
Variant type: single nucleotide variant.
Coding change: c.88C>T on transcript NM_002067.5 (MANE Select); coding-DNA position 88, C replaced by T.
Protein change: p.Arg30Trp; replaces arginine 30 with tryptophan.
Molecular consequence: missense variant.
Genome position (GRCh38, 1-based): chr19:3,094,739, C>T. VCF-style: chr19-3094739-C-T. GRCh37 (hg19) VCF-style: chr19-3094737-C-T.
Other names: short protein forms R30W.
Identifiers: ClinVar variation 2016986 (VCV002016986.4), dbSNP rs2145300360, ClinGen allele CA403299840.
Genomic context (GRCh38, chr19:3,094,739, plus strand): 5'-TGCCTGAGCGATGAGGTGAAGGAGTCCAAGCGGATCAACGCCGAGATCGAGAAGCAGCTG[C>T]GGCGGGACAAGCGCGACGCCCGGCGCGAGCTCAAGCTGCTGCTGCTCGGTGAGTGCGGCC-3'
Protein context (NP_002058.2, residues 20-40): RINAEIEKQL[Arg30Trp]RDKRDARREL